The following is an entry in ClinVar:

ClinVar aggregate classification (germline): Uncertain significance. Review status: criteria provided, multiple submitters, no conflicts (2 of 4 stars). 3 submissions from 3 submitters: Uncertain significance (2). 1 of the submissions does not count toward it. Last evaluated 2025-05-26.

Conditions:
Usher syndrome type 1B (USH1B). Also called: Usher syndrome type IB. Identifiers: MedGen C1848638, MONDO:0700087.

Allele frequency attached by ClinVar (database versions not stated): TOPMed 0.00002; ExAC 0.00001; gnomAD exomes 0.00001.
gnomAD v4.1: 12 of 1,613,284 alleles (0.00074%); highest among the groups gnomAD compares: African/African-American, 0.0013%; no homozygotes.

Submissions (3):

Labcorp Genetics (formerly Invitae), Labcorp
Classification: Uncertain significance. Last evaluated: 2025-05-26. Review status: criteria provided, single submitter. Criteria: Invitae Variant Classification Sherloc (09022015). Collection method: clinical testing. Allele origin: germline.
Comment: This sequence change replaces alanine, which is neutral and non-polar, with threonine, which is neutral and polar, at codon 304 of the MYO7A protein (p.Ala304Thr). This variant is present in population databases (rs782124327, gnomAD 0.007%). This variant has not been reported in the literature in individuals affected with MYO7A-related conditions. ClinVar contains an entry for this variant (Variation ID: 450461). Invitae Evidence Modeling of protein sequence and biophysical properties (such as structural, functional, and spatial information, amino acid conservation, physicochemical variation, residue mobility, and thermodynamic stability) has been performed for this missense variant. However, the output from this modeling did not meet the statistical confidence thresholds required to predict the impact of this variant on MYO7A protein function. In summary, the available evidence is currently insufficient to determine the role of this variant in disease. Therefore, it has been classified as a Variant of Uncertain Significance.

GeneDx
Classification: Uncertain significance. Last evaluated: 2017-07-19. Review status: criteria provided, single submitter. Criteria: GeneDx Variant Classification (06012015). Collection method: clinical testing. Allele origin: germline. Affected: yes.
Comment: The A304T variant in the MYO7A gene has not been reported previously as a pathogenic variant, nor as a benign variant, to our knowledge. The A304T variant is observed in 1/65140 (0.002%) alleles from individuals of non-Finnish European background, in the ExAC dataset (Lek et al., 2016). The A304T variant is a non-conservative amino acid substitution, which is likely to impact secondary protein structure as these residues differ in polarity, charge, size and/or other properties. This substitution occurs at a position that is conserved across species. In silico analysis predicts this variant is probably damaging to the protein structure/function. We interpret A304T as a variant of uncertain significance.

Natera, Inc.
Classification: Uncertain significance for Usher syndrome type 1B. Last evaluated: 2019-11-11. Review status: no assertion criteria provided. Collection method: clinical testing. Allele origin: germline. Not counted in ClinVar's aggregate classification.

NM_000260.4(MYO7A):c.910G>A (p.Ala304Thr)

Gene: MYO7A (myosin VIIA; plus strand). Cytogenetic location: 11q13.5.
Variant type: single nucleotide variant.
Coding change: c.910G>A on transcript NM_000260.4 (MANE Select); coding-DNA position 910, G replaced by A.
Protein change: p.Ala304Thr; replaces alanine 304 with threonine.
Molecular consequence: missense variant.
Genome position (GRCh38, 1-based): chr11:77,158,337, G>A. VCF-style: chr11-77158337-G-A. GRCh37 (hg19) VCF-style: chr11-76869383-G-A.
Other names: c.910G>A, p.Ala304Thr (NM_001127180.2); c.877G>A, p.Ala293Thr (NM_001369365.1); short protein forms A304T, A293T.
Identifiers: ClinVar variation 450461 (VCV000450461.7), dbSNP rs782124327, ClinGen allele CA6197302.